The following is an entry in ClinVar:

ClinVar aggregate classification (germline): Uncertain significance (1 of 4 stars; one submission).

Conditions:
Autoimmune disease, multisystem, infantile-onset, 2 (ADMIO2). Identifiers: MedGen C4310768, MONDO:0014861, OMIM 617006.

Allele frequency attached by ClinVar (database versions not stated): 1000 Genomes Project 0.00020; ExAC 0.00002; 1000 Genomes Project 30x 0.00016; gnomAD exomes 0.00001; TOPMed 0.00001; ESP Exome Variant Server 0.00008; gnomAD 0.00001.
gnomAD v4.1: 9 of 1,614,096 alleles (0.00056%); highest among the groups gnomAD compares: East Asian, 0.0022%; no homozygotes.

Submission:

Baylor Genetics
Classification: Uncertain significance for Autoimmune disease, multisystem, infantile-onset, 2. Last evaluated: 2020-04-27. Review status: criteria provided, single submitter. Criteria: ACMG Guidelines, 2015. Collection method: clinical testing. Allele origin: unknown. Affected: yes.
Comment: This variant was determined to be of uncertain significance according to ACMG Guidelines, 2015 [PMID:25741868].

NM_001079.4(ZAP70):c.440C>T (p.Pro147Leu)

Gene: ZAP70 (zeta chain of T cell receptor associated protein kinase 70; plus strand). Cytogenetic location: 2q11.2.
Variant type: single nucleotide variant.
Coding change: c.440C>T on transcript NM_001079.4 (MANE Select); coding-DNA position 440, C replaced by T.
Protein change: p.Pro147Leu; replaces proline 147 with leucine.
Molecular consequence: missense variant.
Genome position (GRCh38, 1-based): chr2:97,725,129, C>T. VCF-style: chr2-97725129-C-T. GRCh37 (hg19) VCF-style: chr2-98341592-C-T.
Other names: c.440C>T, p.Pro147Leu (NM_001378594.1); short protein forms P147L.
Identifiers: ClinVar variation 1028508 (VCV001028508.1), dbSNP rs368446882, ClinGen allele CA1790096.
Genomic context (GRCh38, chr2:97,725,129, plus strand): 5'-CCTCCTCGCCTCTCCTTTTCTAGGGCGAGGCCCTGGAGCAGGCCATCATCAGCCAGGCCC[C>T]GCAGGTGGAGAAGCTCATTGCTACGACGGCCCACGAGCGGATGCCCTGGTACCACAGCAG-3'
Protein context (NP_001070.2, residues 137-157): ALEQAIISQA[Pro147Leu]QVEKLIATTA